The following is an entry in ClinVar:

ClinVar aggregate classification (germline): Uncertain significance. Review status: criteria provided, multiple submitters, no conflicts (2 of 4 stars). 5 submissions from 5 submitters: Uncertain significance (5). Last evaluated 2025-12-22.

Conditions:
Catecholaminergic polymorphic ventricular tachycardia 2. Also called: CASQ2-Related Catecholaminergic Polymorphic Ventricular Tachycardia; VENTRICULAR TACHYCARDIA, STRESS-INDUCED POLYMORPHIC 2. Identifiers: Orphanet 3286, MedGen C2677794, MONDO:0012762, OMIM 611938.
Catecholaminergic polymorphic ventricular tachycardia 1. Also called: RYR2-Related Catecholaminergic Polymorphic Ventricular Tachycardia; VENTRICULAR TACHYCARDIA, STRESS-INDUCED POLYMORPHIC 1; VENTRICULAR TACHYCARDIA, CATECHOLAMINERGIC POLYMORPHIC, 1, WITH OR WITHOUT ATRIAL DYSFUNCTION AND/OR DILATED CARDIOMYOPATHY. Identifiers: Orphanet 3286, MedGen C1631597, MONDO:0011484, OMIM 604772.
Cardiovascular phenotype. Identifiers: MedGen CN230736.

Allele frequency attached by ClinVar (database versions not stated): gnomAD exomes 0.00004 and 0.00008; ExAC 0.00008; gnomAD 0.00008 and 0.00012; 1000 Genomes Project 0.00040; 1000 Genomes Project 30x 0.00047.
gnomAD v4.1: 68 of 1,407,546 alleles (0.0048%); highest among the groups gnomAD compares: Middle Eastern, 0.023%; 1 homozygote.

Submissions (5):

Labcorp Genetics (formerly Invitae), Labcorp
Classification: Uncertain significance for Catecholaminergic polymorphic ventricular tachycardia 1. Last evaluated: 2025-12-22. Review status: criteria provided, single submitter. Criteria: Invitae Variant Classification Sherloc (09022015). Collection method: clinical testing. Allele origin: germline.
Comment: This sequence change replaces arginine, which is basic and polar, with histidine, which is basic and polar, at codon 253 of the CASQ2 protein (p.Arg253His). The frequency data for this variant in the population databases is considered unreliable, as metrics indicate poor data quality at this position in the gnomAD database. This variant has not been reported in the literature in individuals affected with CASQ2-related conditions. ClinVar contains an entry for this variant (Variation ID: 162812). Invitae Evidence Modeling of protein sequence and biophysical properties (such as structural, functional, and spatial information, amino acid conservation, physicochemical variation, residue mobility, and thermodynamic stability) has been performed for this missense variant. However, the output from this modeling did not meet the statistical confidence thresholds required to predict the impact of this variant on CASQ2 protein function. In summary, the available evidence is currently insufficient to determine the role of this variant in disease. Therefore, it has been classified as a Variant of Uncertain Significance.

Ambry Genetics
Classification: Uncertain significance for Cardiovascular phenotype. Last evaluated: 2025-08-29. Review status: criteria provided, single submitter. Criteria: Ambry Variant Classification Scheme 2023. Collection method: clinical testing. Allele origin: germline.

Genome-Nilou Lab
Classification: Uncertain significance for Catecholaminergic polymorphic ventricular tachycardia 2. Last evaluated: 2023-04-11. Review status: criteria provided, single submitter. Criteria: ACMG Guidelines, 2015. Collection method: clinical testing. Allele origin: germline. Affected: no.

Fulgent Genetics
Classification: Uncertain significance for Catecholaminergic polymorphic ventricular tachycardia 1; Catecholaminergic polymorphic ventricular tachycardia 2. Last evaluated: 2021-10-25. Review status: criteria provided, single submitter. Criteria: ACMG Guidelines, 2015. Collection method: clinical testing. Allele origin: unknown.

Laboratory for Molecular Medicine, Mass General Brigham Personalized Medicine
Classification: Uncertain significance. Last evaluated: 2014-01-28. Review status: criteria provided, single submitter. Criteria: LMM Criteria. Collection method: clinical testing. Allele origin: germline. Observed: 1 variant allele.
Comment: The Arg253His variant in CASQ2 has not been previously reported in individuals w ith cardiomyopathy, but has been identified in 1/196 Toscani Italian chromosomes by the 1000 Genomes Project (dbSNP rs199571249). Computational analyses (bioche mical amino acid properties, conservation, AlignGVGD, PolyPhen2, and SIFT) do no t provide strong support for or against an impact to the protein. Additional inf ormation is needed to fully assess the clinical significance of the Arg253His va riant.

NM_001232.4(CASQ2):c.758G>A (p.Arg253His)

Gene: CASQ2 (calsequestrin 2; minus strand). Cytogenetic location: 1p13.1.
Variant type: single nucleotide variant.
Coding change: c.758G>A on transcript NM_001232.4 (MANE Select); coding-DNA position 758, G replaced by A.
Protein change: p.Arg253His; replaces arginine 253 with histidine.
Molecular consequence: missense variant.
Genome position (GRCh38, 1-based): chr1:115,725,533, C>T on the plus strand (G>A on the coding strand, the complement: CASQ2 is on the minus strand). VCF-style: chr1-115725533-C-T. GRCh37 (hg19) VCF-style: chr1-116268154-C-T.
Other names: short protein forms R253H.
Identifiers: ClinVar variation 162812 (VCV000162812.14), dbSNP rs199571249, ClinGen allele CA175361.